The following is an entry in ClinVar:

ClinVar aggregate classification (germline): Uncertain significance (1 of 4 stars; one submission).

gnomAD v4.1: 3 of 1,613,980 alleles (0.00019%); highest among the groups gnomAD compares: Non-Finnish European, 0.00017%; no homozygotes.

Submission:

Labcorp Genetics (formerly Invitae), Labcorp
Classification: Uncertain significance. Last evaluated: 2025-08-11. Review status: criteria provided, single submitter. Criteria: Invitae Variant Classification Sherloc (09022015). Collection method: clinical testing. Allele origin: germline.
Comment: This sequence change replaces glycine, which is neutral and non-polar, with valine, which is neutral and non-polar, at codon 151 of the MATN3 protein (p.Gly151Val). This variant is not present in population databases (gnomAD no frequency). This variant has not been reported in the literature in individuals affected with MATN3-related conditions. ClinVar contains an entry for this variant (Variation ID: 3631240). Invitae Evidence Modeling of protein sequence and biophysical properties (such as structural, functional, and spatial information, amino acid conservation, physicochemical variation, residue mobility, and thermodynamic stability) indicates that this missense variant is not expected to disrupt MATN3 protein function with a negative predictive value of 80%. In summary, the available evidence is currently insufficient to determine the role of this variant in disease. Therefore, it has been classified as a Variant of Uncertain Significance.

NM_002381.5(MATN3):c.452G>T (p.Gly151Val)

Gene: MATN3 (matrilin 3; minus strand). Cytogenetic location: 2p24.1.
Variant type: single nucleotide variant.
Coding change: c.452G>T on transcript NM_002381.5 (MANE Select); coding-DNA position 452, G replaced by T.
Protein change: p.Gly151Val; replaces glycine 151 with valine.
Molecular consequence: missense variant.
Genome position (GRCh38, 1-based): chr2:20,006,082, C>A on the plus strand (G>T on the coding strand, the complement: MATN3 is on the minus strand). VCF-style: chr2-20006082-C-A. GRCh37 (hg19) VCF-style: chr2-20205843-C-A.
Other names: short protein forms G151V.
Identifiers: ClinVar variation 3631240 (VCV003631240.2).